The following is an entry in ClinVar:

ClinVar aggregate classification (germline): Uncertain significance. Review status: criteria provided, multiple submitters, no conflicts (2 of 4 stars). 2 submissions from 2 submitters: Uncertain significance (2). Last evaluated 2025-06-12.

Conditions:
Developmental and epileptic encephalopathy, 50 (DEE50). Also called: Epileptic encephalopathy, early infantile, 50. Identifiers: Orphanet 448010, MedGen C4225320, MONDO:0014647, OMIM 616457.

Allele frequency attached by ClinVar (database versions not stated): gnomAD exomes 0.00001; TOPMed 0.00001; ExAC 0.00001; gnomAD 0.00001.
gnomAD v4.1: 12 of 1,607,088 alleles (0.00075%); highest among the groups gnomAD compares: East Asian, 0.0045%; no homozygotes.

Submissions (2):

3billion
Classification: Uncertain significance for Developmental and epileptic encephalopathy, 50. Last evaluated: 2025-06-12. Review status: criteria provided, single submitter. Criteria: ACMG Guidelines, 2015. Collection method: clinical testing. Allele origin: germline. Affected: yes.
Comment: The variant is observed at an extremely low frequency in the gnomAD v4.1.0 dataset (total allele frequency: <0.001%). Predicted Consequence/Location: Intron variant In silico tools predict the variant to alter splicing and produce an abnormal transcript [SpliceAI: 0.85 (>=0.2, moderate evidence for spliceogenicity)]. The variant has been reported as of uncertain significance (ClinVar ID: VCV002179610). Therefore, this variant is classified as VUS according to the recommendation of ACMG/AMP guideline.

Labcorp Genetics (formerly Invitae), Labcorp
Classification: Uncertain significance. Last evaluated: 2022-10-17. Review status: criteria provided, single submitter. Criteria: Invitae Variant Classification Sherloc (09022015). Collection method: clinical testing. Allele origin: germline.
Comment: This sequence change falls in intron 7 of the CAD gene. It does not directly change the encoded amino acid sequence of the CAD protein. This variant is present in population databases (rs758644598, gnomAD 0.005%). This variant has not been reported in the literature in individuals affected with CAD-related conditions. Algorithms developed to predict the effect of sequence changes on RNA splicing suggest that this variant may create or strengthen a splice site. In summary, the available evidence is currently insufficient to determine the role of this variant in disease. Therefore, it has been classified as a Variant of Uncertain Significance.

NM_004341.5(CAD):c.996-4A>G

Gene: CAD (carbamoyl-phosphate synthetase 2, aspartate transcarbamylase, and dihydroorotase; plus strand). Cytogenetic location: 2p23.3.
Variant type: single nucleotide variant.
Coding change: c.996-4A>G on transcript NM_004341.5 (MANE Select); 4 bases into the intron before coding-DNA position 996, A replaced by G.
Molecular consequence: intron variant.
Genome position (GRCh38, 1-based): chr2:27,223,913, A>G. VCF-style: chr2-27223913-A-G. GRCh37 (hg19) VCF-style: chr2-27446781-A-G.
Other names: c.996-4A>G (NM_001306079.2).
Identifiers: ClinVar variation 2179610 (VCV002179610.2), dbSNP rs758644598, ClinGen allele CA1572588.